The following is an entry in ClinVar:

NM_000393.5(COL5A2):c.2641G>T (p.Ala881Ser)

Gene: COL5A2 (collagen type V alpha 2 chain; minus strand). Cytogenetic location: 2q32.2.
Variant type: single nucleotide variant.
Coding change: c.2641G>T on transcript NM_000393.5 (MANE Select); coding-DNA position 2641, G replaced by T.
Protein change: p.Ala881Ser; replaces alanine 881 with serine.
Molecular consequence: missense variant.
Genome position (GRCh38, 1-based): chr2:189,052,931, C>A on the plus strand (G>T on the coding strand, the complement: COL5A2 is on the minus strand). VCF-style: chr2-189052931-C-A. GRCh37 (hg19) VCF-style: chr2-189917657-C-A.
Other names: short protein forms A881S.
Identifiers: ClinVar variation 459740 (VCV000459740.14), dbSNP rs760858324, ClinGen allele CA349870965.

ClinVar aggregate classification (germline): Uncertain significance. Review status: criteria provided, multiple submitters, no conflicts (2 of 4 stars). 3 submissions from 3 submitters: Uncertain significance (3). Last evaluated 2026-07-09.

Conditions:
Familial thoracic aortic aneurysm and aortic dissection (TAAD). Also called: Thoracic aortic aneurysms and dissections. Identifiers: Orphanet 91387, MedGen C4707243, MONDO:0019625.
Ehlers-Danlos syndrome, classic type, 1 (EDSCL1). Also called: EDS I; EHLERS-DANLOS SYNDROME, GRAVIS TYPE; EHLERS-DANLOS SYNDROME, SEVERE CLASSIC TYPE; Ehlers-Danlos Syndrome, Classic Type, COL5A1-Related; Ehlers-Danlos syndrome, type 1. Identifiers: MedGen C0268335, MONDO:0019567, OMIM 130000.

gnomAD v4.1: 4 of 1,614,122 alleles (0.00025%); highest among the groups gnomAD compares: Middle Eastern, 0.033%; no homozygotes.

Submissions (3):

Ambry Genetics
Classification: Uncertain significance for Familial thoracic aortic aneurysm and aortic dissection. Last evaluated: 2026-07-09. Review status: criteria provided, single submitter. Criteria: Ambry Variant Classification Scheme 2023. Collection method: clinical testing. Allele origin: germline.
Comment: The p.A881S variant (also known as c.2641G>T), located in coding exon 39 of the COL5A2 gene, results from a G to T substitution at nucleotide position 2641. The alanine at codon 881 is replaced by serine, an amino acid with similar properties. This amino acid position is conserved. In addition, this alteration is predicted to be tolerated by in silico analysis. Based on the available evidence, the clinical significance of this variant remains unclear.

GeneDx
Classification: Uncertain significance. Last evaluated: 2024-05-28. Review status: criteria provided, single submitter. Criteria: GeneDx Variant Classification Process June 2021. Collection method: clinical testing. Allele origin: germline. Affected: yes.
Comment: Not observed at significant frequency in large population cohorts (gnomAD); In silico analysis indicates that this missense variant does not alter protein structure/function; Has not been previously published as pathogenic or benign to our knowledge

Labcorp Genetics (formerly Invitae), Labcorp
Classification: Uncertain significance for Ehlers-Danlos syndrome, classic type, 1. Last evaluated: 2024-02-28. Review status: criteria provided, single submitter. Criteria: Invitae Variant Classification Sherloc (09022015). Collection method: clinical testing. Allele origin: germline.
Comment: This sequence change replaces alanine, which is neutral and non-polar, with serine, which is neutral and polar, at codon 881 of the COL5A2 protein (p.Ala881Ser). This variant is not present in population databases (gnomAD no frequency). This variant has not been reported in the literature in individuals affected with COL5A2-related conditions. ClinVar contains an entry for this variant (Variation ID: 459740). Advanced modeling of protein sequence and biophysical properties (such as structural, functional, and spatial information, amino acid conservation, physicochemical variation, residue mobility, and thermodynamic stability) performed at Invitae indicates that this missense variant is not expected to disrupt COL5A2 protein function with a negative predictive value of 80%. In summary, the available evidence is currently insufficient to determine the role of this variant in disease. Therefore, it has been classified as a Variant of Uncertain Significance.